The following is an entry in ClinVar:

NM_001854.4(COL11A1):c.4100C>T (p.Ala1367Val)

Gene: COL11A1 (collagen type XI alpha 1 chain; minus strand). Cytogenetic location: 1p21.1.
Variant type: single nucleotide variant.
Coding change: c.4100C>T on transcript NM_001854.4 (MANE Select); coding-DNA position 4100, C replaced by T.
Protein change: p.Ala1367Val; replaces alanine 1367 with valine.
Molecular consequence: missense variant. On other transcripts: non-coding transcript variant (1).
Genome position (GRCh38, 1-based): chr1:102,898,981, G>A on the plus strand (C>T on the coding strand, the complement: COL11A1 is on the minus strand). VCF-style: chr1-102898981-G-A. GRCh37 (hg19) VCF-style: chr1-103364537-G-A.
Other names: c.3983C>T, p.Ala1328Val (NM_001190709.2); c.4136C>T, p.Ala1379Val (NM_080629.3); c.3752C>T, p.Ala1251Val (NM_080630.4); short protein forms A1367V, A1379V, A1251V, A1328V.
Identifiers: ClinVar variation 373481 (VCV000373481.2), dbSNP rs1057518442, ClinGen allele CA16042287.
Genomic context (GRCh38, chr1:102,898,981, plus strand): 5'-ATATATTATTTTTTTTTTACCTTAGCACCTTTTTCACCTTGTCTTCCCTCTGCACCTGCA[G>A]CTCCAGGAGGACCCTATAGACATAAGATTTATTGTAAAATATGTATCACATATAAAAGTA-3'
Protein context (NP_001845.3, residues 1357-1377): GPPGKRGPPG[Ala1367Val]AGAEGRQGEK

ClinVar aggregate classification (germline): Uncertain significance (1 of 4 stars; one submission).

Submission:

GeneDx
Classification: Uncertain significance. Last evaluated: 2016-12-02. Review status: criteria provided, single submitter. Criteria: GeneDx Variant Classification (06012015). Collection method: clinical testing. Allele origin: germline. Affected: yes.
Comment: The A1367V variant in the COL11A1 gene has not been reported previously as a pathogenic variant, nor as a benign variant, to our knowledge. The A1367V variant was not observed in approximately 6500 individuals of European and African American ancestry in the NHLBI Exome Sequencing Project, indicating it is not a common benign variant in these populations. The A1367V variant is a conservative amino acid substitution, which occurs at a position that is not conserved. In silico analysis is inconsistent in its predictions as to whether or not the variant is damaging to the protein structure/function. We interpret A1367V as a variant of uncertain significance.